The following is an entry in ClinVar:

ClinVar aggregate classification (germline): Pathogenic (1 of 4 stars; one submission).

Submission:

Labcorp Genetics (formerly Invitae), Labcorp
Classification: Pathogenic. Last evaluated: 2023-04-02. Review status: criteria provided, single submitter. Criteria: Invitae Variant Classification Sherloc (09022015). Collection method: clinical testing. Allele origin: unknown.
Comment: For these reasons, this variant has been classified as Pathogenic. A similar copy number variant has been observed in individual(s) with nail-patella syndrome (PMID: 15498463). This variant is a gross deletion of the genomic region encompassing exon(s) 4 of the LMX1B gene. This deletion is out-of-frame, and is expected to create a premature termination codon and result in an absent or disrupted protein product. Loss-of-function variants in LMX1B are known to be pathogenic (PMID: 9590287, 15498463).

Literature cited by the submitters: PubMed 15498463; PubMed 9590287.

NC_000009.11:g.(?_129453350)_(129455624_?)del

Gene: LMX1B (LIM homeobox transcription factor 1 beta; plus strand). Cytogenetic location: 9q33.3.
Variant type: Deletion.
Identifiers: ClinVar variation 3245309 (VCV003245309.1).